The following is an entry in ClinVar:

NM_001110556.2(FLNA):c.5694G>A (p.Leu1898=)

Gene: FLNA (filamin A; minus strand). Cytogenetic location: Xq28.
Variant type: single nucleotide variant.
Coding change: c.5694G>A on transcript NM_001110556.2 (MANE Select); coding-DNA position 5694, G replaced by A.
Protein change: p.Leu1898=; no amino-acid change (leucine 1898 retained).
Molecular consequence: synonymous variant.
Genome position (GRCh38, 1-based): chrX:154,353,720, C>T on the plus strand (G>A on the coding strand, the complement: FLNA is on the minus strand). VCF-style: chrX-154353720-C-T. GRCh37 (hg19) VCF-style: chrX-153582088-C-T.
Other names: c.5670G>A, p.Leu1890= (NM_001456.4).
Identifiers: ClinVar variation 514284 (VCV000514284.12), dbSNP rs782618942, ClinGen allele CA10560242.
Genomic context (GRCh38, chrX:154,353,720, plus strand): 5'-CCCATCCTGGTTGTCAGTGCAGCTGATTTCTGCTTTGGACGGGCCCTCAATGGCCAGAGA[C>T]AGGCCCCCTGGAGAGAGCCGTGGGTGAGCATGGGAACTATGCTGGGGACACTCCAGTTGG-3'
Protein context (NP_001104026.1, residues 1888-1908): VNTKDAGEGG[Leu1898=]SLAIEGPSKA

ClinVar aggregate classification (germline): Likely benign. Review status: criteria provided, multiple submitters, no conflicts (2 of 4 stars). 4 submissions from 4 submitters: Likely benign (4). Last evaluated 2025-11-21.

Conditions:
Melnick-Needles syndrome (MNS). Also called: MELNICK-NEEDLES OSTEODYSPLASTY; Melnick-Needles Syndrome (FLNA-MNS); OSTEODYSPLASTY OF MELNICK AND NEEDLES. Identifiers: Orphanet 2484, MedGen C0025237, MONDO:0010650, OMIM 309350.
Frontometaphyseal dysplasia (FMD1). Identifiers: Orphanet 1826, MedGen C0265293, MONDO:0015942.
Heterotopia, periventricular, X-linked dominant (PVNH1). Also called: PERIVENTRICULAR NODULAR HETEROTOPIA 4; HETEROTOPIA, PERIVENTRICULAR, 1; PERIVENTRICULAR NODULAR HETEROTOPIA 1; X-linked periventricular heterotopia. Identifiers: Orphanet 2149, Orphanet 82004, MedGen C1848213, MONDO:0010233, OMIM 300049.
Oto-palato-digital syndrome, type II (OPD2). Also called: Otopalatodigital Syndrome Type 2 (FLNA-OPD2); FACIOPALATOOSSEOUS SYNDROME; OPD II SYNDROME; Otopalatodigital Syndrome, Type II. Identifiers: Orphanet 669, Orphanet 90652, MedGen C1844696, MONDO:0010571, OMIM 304120.
Familial thoracic aortic aneurysm and aortic dissection (TAAD). Also called: Thoracic aortic aneurysms and dissections. Identifiers: Orphanet 91387, MedGen C4707243, MONDO:0019625.

Allele frequency attached by ClinVar (database versions not stated): gnomAD exomes below 0.00001 and 0.00002; gnomAD 0.00002; TOPMed 0.00003; ExAC 0.00006.
gnomAD v4.1: 7 of 1,208,537 alleles (0.00058%); highest among the groups gnomAD compares: Admixed American, 0.015%; no homozygotes.

Submissions (4):

Labcorp Genetics (formerly Invitae), Labcorp
Classification: Likely benign for Oto-palato-digital syndrome, type II; Heterotopia, periventricular, X-linked dominant; Frontometaphyseal dysplasia; Melnick-Needles syndrome. Last evaluated: 2025-11-21. Review status: criteria provided, single submitter. Criteria: Invitae Variant Classification Sherloc (09022015). Collection method: clinical testing. Allele origin: germline.

ARUP Laboratories, Molecular Genetics and Genomics, ARUP Laboratories
Classification: Likely benign. Last evaluated: 2023-10-26. Review status: criteria provided, single submitter. Criteria: ARUP Molecular Germline Variant Investigation Process 2024. Collection method: clinical testing. Allele origin: germline.

Ambry Genetics
Classification: Likely benign for Familial thoracic aortic aneurysm and aortic dissection. Last evaluated: 2023-06-04. Review status: criteria provided, single submitter. Criteria: Ambry Variant Classification Scheme 2023. Collection method: clinical testing. Allele origin: germline.

GeneDx
Classification: Likely benign. Last evaluated: 2017-12-22. Review status: criteria provided, single submitter. Criteria: GeneDx Variant Classification (06012015). Collection method: clinical testing. Allele origin: germline. Affected: yes.
Comment: This variant is considered likely benign or benign based on one or more of the following criteria: it is a conservative change, it occurs at a poorly conserved position in the protein, it is predicted to be benign by multiple in silico algorithms, and/or has population frequency not consistent with disease.